The following is an entry in ClinVar:

ClinVar aggregate classification (germline): Conflicting classifications of pathogenicity. Review status: criteria provided, conflicting classifications (1 of 4 stars). 4 submissions from 4 submitters: Uncertain significance (3); Likely benign (1). Last evaluated 2025-05-22.

Conditions:
Cardiovascular phenotype. Identifiers: MedGen CN230736.
Arrhythmogenic cardiomyopathy with wooly hair and keratoderma. Also called: Arrhythmogenic cardiomyopathy with woolly hair and keratoderma; Carvajal syndrome; PALMOPLANTAR KERATODERMA WITH LEFT VENTRICULAR CARDIOMYOPATHY AND WOOLLY HAIR; Dilated cardiomyopathy with woolly hair and keratoderma. Identifiers: Orphanet 65282, MedGen C1854063, MONDO:0011581, OMIM 605676.
Arrhythmogenic right ventricular dysplasia 8 (ARVD8). Also called: Arrhythmogenic Right Ventricular Dysplasia/Cardiomyopathy 8; ARRHYTHMOGENIC RIGHT VENTRICULAR DYSPLASIA, FAMILIAL, 8; ARRHYTHMOGENIC RIGHT VENTRICULAR CARDIOMYOPATHY 8. Identifiers: MedGen C1843896, MONDO:0011831, OMIM 607450.
Cardiomyopathy (CMYO). Also called: Cardiomyopathies. Identifiers: Orphanet 167848, MedGen C0878544, MONDO:0004994, HP:0001638. Inheritance: Various modes of inheritance.

Allele frequency attached by ClinVar (database versions not stated): TOPMed below 0.00001; gnomAD 0.00001.
gnomAD v4.1: 6 of 1,613,216 alleles (0.00037%); highest among the groups gnomAD compares: African/African-American, 0.0053%; no homozygotes.

Submissions (4):

Labcorp Genetics (formerly Invitae), Labcorp
Classification: Uncertain significance for Arrhythmogenic cardiomyopathy with wooly hair and keratoderma; Arrhythmogenic right ventricular dysplasia 8. Last evaluated: 2025-05-22. Review status: criteria provided, single submitter. Criteria: Invitae Variant Classification Sherloc (09022015). Collection method: clinical testing. Allele origin: germline.
Comment: This sequence change replaces valine, which is neutral and non-polar, with isoleucine, which is neutral and non-polar, at codon 999 of the DSP protein (p.Val999Ile). This variant is not present in population databases (gnomAD no frequency). This variant has not been reported in the literature in individuals affected with DSP-related conditions. ClinVar contains an entry for this variant (Variation ID: 1364047). An algorithm developed to predict the effect of missense changes on protein structure and function outputs the following: PolyPhen-2: "Benign". The isoleucine amino acid residue is found in multiple mammalian species, which suggests that this missense change does not adversely affect protein function. In summary, the available evidence is currently insufficient to determine the role of this variant in disease. Therefore, it has been classified as a Variant of Uncertain Significance.

Color Diagnostics, LLC DBA Color Health
Classification: Uncertain significance for Cardiomyopathy. Last evaluated: 2024-03-06. Review status: criteria provided, single submitter. Criteria: ACMG Guidelines, 2015. Collection method: clinical testing. Allele origin: germline.
Comment: This missense variant replaces valine with isoleucine at codon 999 of the DSP protein. Computational prediction suggests that this variant may not impact protein structure and function. To our knowledge, functional studies have not been reported for this variant. This variant has not been reported in individuals affected with DSP-related disorders in the literature. This variant has not been identified in the general population by the Genome Aggregation Database (gnomAD). The available evidence is insufficient to determine the role of this variant in disease conclusively. Therefore, this variant is classified as a Variant of Uncertain Significance.

All of Us Research Program, National Institutes of Health
Classification: Uncertain significance for Arrhythmogenic cardiomyopathy with wooly hair and keratoderma. Last evaluated: 2023-05-30. Review status: criteria provided, single submitter. Criteria: ACMG Guidelines, 2015. Collection method: clinical testing. Allele origin: germline. Inheritance: Autosomal dominant inheritance. Observed: 1 variant allele, 1 heterozygote.
Comment: This missense variant replaces valine with isoleucine at codon 999 of the DSP protein. Computational prediction suggests that this variant may not impact protein structure and function (internally defined REVEL score threshold <= 0.5, PMID: 27666373). To our knowledge, functional studies have not been reported for this variant. This variant has not been reported in individuals affected with DSP-related disorders in the literature. This variant has not been identified in the general population by the Genome Aggregation Database (gnomAD). The available evidence is insufficient to determine the role of this variant in disease conclusively. Therefore, this variant is classified as a Variant of Uncertain Significance.

This study involves interpretation of variants in research participants for the purpose of population health screening. Participant phenotype was not available at the time of variant classification. Additional details can be found in publication PMID: 35346344, PMCID: PMC8962531

Ambry Genetics
Classification: Likely benign for Cardiovascular phenotype. Last evaluated: 2022-02-14. Review status: criteria provided, single submitter. Criteria: Ambry Variant Classification Scheme 2023. Collection method: clinical testing. Allele origin: germline.

NM_004415.4(DSP):c.2995G>A (p.Val999Ile)

Gene: DSP (desmoplakin; plus strand). Cytogenetic location: 6p24.3.
Variant type: single nucleotide variant.
Coding change: c.2995G>A on transcript NM_004415.4 (MANE Select); coding-DNA position 2995, G replaced by A.
Protein change: p.Val999Ile; replaces valine 999 with isoleucine.
Molecular consequence: missense variant.
Genome position (GRCh38, 1-based): chr6:7,578,473, G>A. VCF-style: chr6-7578473-G-A. GRCh37 (hg19) VCF-style: chr6-7578706-G-A.
Other names: c.2995G>A, p.Val999Ile (NM_001008844.3, NM_001319034.2); short protein forms V999I.
Identifiers: ClinVar variation 1364047 (VCV001364047.10), dbSNP rs1261418744, ClinGen allele CA362682606.